The following is an entry in ClinVar:

NM_014297.5(ETHE1):c.453C>T (p.Phe151=)

Gene: ETHE1 (ETHE1 persulfide dioxygenase; minus strand). Cytogenetic location: 19q13.31.
Variant type: single nucleotide variant.
Coding change: c.453C>T on transcript NM_014297.5 (MANE Select); coding-DNA position 453, C replaced by T.
Protein change: p.Phe151=; no amino-acid change (phenylalanine 151 retained).
Molecular consequence: synonymous variant.
Genome position (GRCh38, 1-based): chr19:43,511,489, G>A on the plus strand (C>T on the coding strand, the complement: ETHE1 is on the minus strand). VCF-style: chr19-43511489-G-A. GRCh37 (hg19) VCF-style: chr19-44015641-G-A.
Other names: c.420C>T, p.Phe140= (NM_001320867.2); c.84C>T, p.Phe28= (NM_001320868.2); c.159C>T, p.Phe53= (NM_001320869.2).
Identifiers: ClinVar variation 510060 (VCV000510060.1), dbSNP rs1555762749, ClinGen allele CA507737221.

ClinVar aggregate classification (germline): Likely benign (1 of 4 stars; one submission).

Submission:

GeneDx
Classification: Likely benign. Last evaluated: 2017-06-29. Review status: criteria provided, single submitter. Criteria: GeneDx Variant Classification (06012015). Collection method: clinical testing. Allele origin: germline. Affected: yes.
Comment: This variant is considered likely benign or benign based on one or more of the following criteria: it is a conservative change, it occurs at a poorly conserved position in the protein, it is predicted to be benign by multiple in silico algorithms, and/or has population frequency not consistent with disease.